The following is an entry in ClinVar:

NM_002354.3(EPCAM):c.625A>G (p.Ile209Val)

Gene: EPCAM (epithelial cell adhesion molecule; plus strand). Cytogenetic location: 2p21.
Variant type: single nucleotide variant.
Coding change: c.625A>G on transcript NM_002354.3 (MANE Select); coding-DNA position 625, A replaced by G.
Protein change: p.Ile209Val; replaces isoleucine 209 with valine.
Molecular consequence: missense variant.
Genome position (GRCh38, 1-based): chr2:47,379,022, A>G. VCF-style: chr2-47379022-A-G. GRCh37 (hg19) VCF-style: chr2-47606161-A-G.
Other names: short protein forms I209V.
Identifiers: ClinVar variation 2452153 (VCV002452153.2), dbSNP rs1202678365, ClinGen allele CA346724236.

ClinVar aggregate classification (germline): Uncertain significance (1 of 4 stars; one submission).

Conditions:
Hereditary cancer-predisposing syndrome. Also called: Neoplastic Syndromes, Hereditary; Tumor predisposition; Hereditary neoplastic syndrome; Hereditary Cancer Syndrome. Identifiers: Orphanet 140162, MedGen C0027672, MeSH D009386, MONDO:0015356.

Allele frequency attached by ClinVar (database versions not stated): gnomAD exomes below 0.00001.
gnomAD v4.1: 2 of 1,598,836 alleles (0.00013%); highest among the groups gnomAD compares: South Asian, 0.0011%; no homozygotes.

Submission:

Ambry Genetics
Classification: Uncertain significance for Hereditary cancer-predisposing syndrome. Last evaluated: 2022-11-23. Review status: criteria provided, single submitter. Criteria: Ambry Variant Classification Scheme 2023. Collection method: clinical testing. Allele origin: germline.
Comment: The p.I209V variant (also known as c.625A>G), located in coding exon 6 of the EPCAM gene, results from an A to G substitution at nucleotide position 625. The isoleucine at codon 209 is replaced by valine, an amino acid with highly similar properties. This amino acid position is conserved. In addition, the in silico prediction for this alteration is inconclusive. Since supporting evidence is limited at this time, the clinical significance of this alteration remains unclear.